The following is an entry in ClinVar:

ClinVar aggregate classification (germline): Likely benign (1 of 4 stars; one submission).

Submission:

CeGaT Center for Human Genetics Tuebingen
Classification: Likely benign. Last evaluated: 2025-08-01. Review status: criteria provided, single submitter. Criteria: CeGaT Center For Human Genetics Tuebingen Variant Classification Criteria Version 2. Collection method: clinical testing. Allele origin: germline. Affected: yes. Observed: 1 variant allele.
Comment: KIF13B: PM2:Supporting, BP4, BP7

NM_015254.4(KIF13B):c.1680C>G (p.Pro560=)

Gene: KIF13B (kinesin family member 13B; minus strand). Cytogenetic location: 8p12.
Variant type: single nucleotide variant.
Coding change: c.1680C>G on transcript NM_015254.4 (MANE Select); coding-DNA position 1680, C replaced by G.
Protein change: p.Pro560=; no amino-acid change (proline 560 retained).
Molecular consequence: synonymous variant.
Genome position (GRCh38, 1-based): chr8:29,148,710, G>C on the plus strand (C>G on the coding strand, the complement: KIF13B is on the minus strand). VCF-style: chr8-29148710-G-C. GRCh37 (hg19) VCF-style: chr8-29006227-G-C.
Identifiers: ClinVar variation 4084612 (VCV004084612.8).